The following is an entry in ClinVar:

ClinVar aggregate classification (germline): Pathogenic (1 of 4 stars; one submission).

Conditions:
Hereditary breast ovarian cancer syndrome. Also called: Hereditary breast and ovarian cancer syndrome (HBOC); Hereditary breast and ovarian cancer; BRCA1- and BRCA2-Associated Hereditary Breast and Ovarian Cancer; Hereditary breast and ovarian cancer syndrome; Hereditary breast and/or ovarian cancer syndrome; Breast and ovarian cancer. Identifiers: Orphanet 145, MedGen C0677776, MeSH D061325, MONDO:0003582. Disease mechanism: loss of function.

Submission:

Labcorp Genetics (formerly Invitae), Labcorp
Classification: Pathogenic for Hereditary breast ovarian cancer syndrome. Last evaluated: 2024-04-04. Review status: criteria provided, single submitter. Criteria: Invitae Variant Classification Sherloc (09022015). Collection method: clinical testing. Allele origin: germline.
Comment: This sequence change creates a premature translational stop signal (p.Leu1276Glyfs*10) in the BRCA1 gene. It is expected to result in an absent or disrupted protein product. Loss-of-function variants in BRCA1 are known to be pathogenic (PMID: 20104584). This variant is not present in population databases (gnomAD no frequency). This variant has not been reported in the literature in individuals affected with BRCA1-related conditions. For these reasons, this variant has been classified as Pathogenic.

Literature cited by the submitters: PubMed 20104584.

NM_007294.4(BRCA1):c.3825_3826del (p.Leu1276fs)

Genes: BRCA1 (BRCA1 DNA repair associated; minus strand), LOC126862571 (BRD4-independent group 4 enhancer GRCh37_chr17:41243136-41244335; plus strand). Cytogenetic location: 17q21.31.
Variant type: Microsatellite.
Coding change: c.3825_3826del on transcript NM_007294.4 (MANE Select); coding-DNA positions 3825 to 3826, 2 bases deleted (AT; older notation c.3825_3826delAT).
Protein change: p.Leu1276fs; shifts the reading frame from leucine 1276.
Molecular consequence: frameshift variant. On other transcripts: intron variant (135).
Genome position (GRCh38, 1-based): chr17:43,091,705-43,091,706, AT deleted on the plus strand (AT on the coding strand, the reverse complement: BRCA1 is on the minus strand); deleting any 2 consecutive bases within chr17:43,091,705-43,091,708 gives the same sequence; the c. name uses the placement nearest the transcript's 3' end. VCF-style (leftmost placement, unchanged base first): chr17-43091704-AAT-A. GRCh37 (hg19) VCF-style: chr17-41243721-AAT-A.
Other names: c.791-683_791-682del (NM_001408406.1); c.3681_3682del, p.Leu1228fs (NM_001407848.1, NM_001407849.1, NM_001407943.1 and 20 more transcripts); c.647-674_647-673del (NM_001408456.1, NM_001408458.1, NM_001408469.1 and 11 more transcripts); c.644-674_644-673del (NM_001408465.1, NM_001408463.1, NM_001408462.1 and 3 more transcripts); c.3684_3685del, p.Leu1229fs (NM_001407850.1, NM_001407851.1, NM_001407852.1 and 29 more transcripts); c.578-674_578-673del (NM_001408482.1, NM_001408478.1, NM_001408484.1 and 9 more transcripts); c.521-674_521-673del (NM_001408504.1, NM_001408503.1, NM_001408505.1); c.662-674_662-673del (NM_001408450.1, NM_001408434.1, NM_001408447.1 and 6 more transcripts); and 41 more; short protein forms L1205fs, L1206fs, L1273fs, L1275fs, L408fs, L1187fs, L1188fs, L1208fs.
Identifiers: ClinVar variation 3648763 (VCV003648763.2).